The following is an entry in ClinVar:

ClinVar aggregate classification (germline): Pathogenic. Review status: criteria provided, multiple submitters, no conflicts (2 of 4 stars). 4 submissions from 4 submitters: Pathogenic (2). 2 of the submissions do not count toward it. Last evaluated 2022-01-28.

Conditions:
Takenouchi-Kosaki syndrome. Also called: Macrothrombocytopenia-lymphedema-developmental delay-facial dysmorphism-camptodactyly syndrome; MACROTHROMBOCYTOPENIA AND MENTAL RETARDATION SYNDROME. Identifiers: Orphanet 487796, MedGen C4225222, MONDO:0014757, OMIM 616737.
Abnormality of blood and blood-forming tissues. Identifiers: MedGen C0850715, HP:0001871.
Abnormality of the immune system. Identifiers: MedGen C4021753, HP:0002715.
Neurodevelopmental abnormality. Identifiers: MedGen C4022737, HP:0012759.
Postnatal growth retardation. Identifiers: MedGen C1859778, HP:0008897.
Abnormal facial shape. Also called: Dysmorphic facial features; Dysmorphic facies. Identifiers: MedGen C0424503, HP:0001999.

Submissions (4):

Labcorp Genetics (formerly Invitae), Labcorp
Classification: Pathogenic. Last evaluated: 2022-01-28. Review status: criteria provided, single submitter. Criteria: Invitae Variant Classification Sherloc (09022015). Collection method: clinical testing. Allele origin: germline.
Comment: This sequence change replaces serine, which is neutral and polar, with proline, which is neutral and non-polar, at codon 83 of the CDC42 protein (p.Ser83Pro). For these reasons, this variant has been classified as Pathogenic. Experimental studies have shown that this missense change affects CDC42 function (PMID: 29394990). Algorithms developed to predict the effect of missense changes on protein structure and function (SIFT, PolyPhen-2, Align-GVGD) all suggest that this variant is likely to be disruptive. ClinVar contains an entry for this variant (Variation ID: 487652). This missense change has been observed in individual(s) with clinical features of Takenouchi-Kosaki syndrome (PMID: 29394990). In at least one individual the variant was observed to be de novo. This variant is not present in population databases (gnomAD no frequency).

Tartaglia Lab, Genetics and Rare Diseases Research Division, Bambino Gesu' Children's Hospital
Classification: Pathogenic. Last evaluated: 2017-11-01. Review status: criteria provided, single submitter. Criteria: ACMG Guidelines, 2015. Collection method: research. Allele origin: de novo. Affected: yes.

OMIM
Classification: Pathogenic for TAKENOUCHI-KOSAKI SYNDROME. Last evaluated: 2018-04-06. Review status: no assertion criteria provided. Collection method: literature only. Allele origin: germline. Not counted in ClinVar's aggregate classification.

University of Washington Center for Mendelian Genomics, University of Washington
Classification: Likely pathogenic for Postnatal growth retardation; Abnormal facial shape; Neurodevelopmental abnormality; Abnormality of the immune system; Abnormality of blood and blood-forming tissues. Review status: no assertion criteria provided. Collection method: research. Allele origin: de novo. Affected: yes. Not counted in ClinVar's aggregate classification.

Literature cited by the submitters: PubMed 29394990 (cited by 3 submitters).

NM_001791.4(CDC42):c.247T>C (p.Ser83Pro)

Gene: CDC42 (cell division cycle 42; plus strand). Cytogenetic location: 1p36.12.
Variant type: single nucleotide variant.
Coding change: c.247T>C on transcript NM_001791.4 (MANE Select); coding-DNA position 247, T replaced by C.
Protein change: p.Ser83Pro; replaces serine 83 with proline.
Molecular consequence: missense variant.
Genome position (GRCh38, 1-based): chr1:22,086,507, T>C. VCF-style: chr1-22086507-T-C. GRCh37 (hg19) VCF-style: chr1-22413000-T-C.
Other names: c.247T>C, p.Ser83Pro (NM_001039802.2, NM_044472.3); short protein forms S83P.
Identifiers: ClinVar variation 487652 (VCV000487652.10), dbSNP rs1553196101, ClinGen allele CA338906853.
Genomic context (GRCh38, chr1:22,086,507, plus strand): 5'-GATTATGACAGATTACGACCGCTGAGTTATCCACAAACAGATGTATTTCTAGTCTGTTTT[T>C]CAGTGGTCTCTCCATCTTCATTTGAAAACGTGAAAGAAAAGGTAAGCTGATCAGATACTC-3'
Protein context (NP_001782.1, residues 73-93): PQTDVFLVCF[Ser83Pro]VVSPSSFENV